The following is an entry in ClinVar:

NM_004725.4(BUB3):c.634C>T (p.Pro212Ser)

Gene: BUB3 (BUB3 mitotic checkpoint protein; plus strand). Cytogenetic location: 10q26.13.
Variant type: single nucleotide variant.
Coding change: c.634C>T on transcript NM_004725.4 (MANE Select); coding-DNA position 634, C replaced by T.
Protein change: p.Pro212Ser; replaces proline 212 with serine.
Molecular consequence: missense variant.
Genome position (GRCh38, 1-based): chr10:123,162,293, C>T. VCF-style: chr10-123162293-C-T. GRCh37 (hg19) VCF-style: chr10-124921809-C-T.
Other names: c.634C>T, p.Pro212Ser (NM_001007793.3); short protein forms P212S.
Identifiers: ClinVar variation 3262299 (VCV003262299.1).
Genomic context (GRCh38, chr10:123,162,293, plus strand): 5'-CAGGGTTATGTATTAAGCTCTATTGAAGGCCGAGTGGCAGTTGAGTATTTGGACCCAAGC[C>T]CTGAGGTACAGAAGAAGAAGTATGCCTTCAAATGTCACAGACTAAAAGAAAATAATATTG-3'
Protein context (NP_004716.1, residues 202-222): RVAVEYLDPS[Pro212Ser]EVQKKKYAFK

ClinVar aggregate classification (germline): Uncertain significance (1 of 4 stars; one submission).

gnomAD v4.1: 1 of 1,613,892 alleles (0.000062%); highest among the groups gnomAD compares: African/African-American, 0.0013%; no homozygotes.

Submission:

Ambry Genetics
Classification: Uncertain significance. Last evaluated: 2024-03-18. Review status: criteria provided, single submitter. Criteria: Ambry Variant Classification Scheme 2023. Collection method: clinical testing. Allele origin: germline.
Comment: The p.P212S variant (also known as c.634C>T), located in coding exon 5 of the BUB3 gene, results from a C to T substitution at nucleotide position 634. The proline at codon 212 is replaced by serine, an amino acid with similar properties. This amino acid position is conserved. In addition, this alteration is predicted to be tolerated by in silico analysis. Based on the available evidence, the clinical significance of this alteration remains unclear.